The following is an entry in ClinVar:

ClinVar aggregate classification (germline): Likely benign (1 of 4 stars; one submission).

gnomAD v4.1: 184 of 1,613,858 alleles (0.011%); highest among the groups gnomAD compares: South Asian, 0.2%; 1 homozygote.

Submission:

CeGaT Center for Human Genetics Tuebingen
Classification: Likely benign. Last evaluated: 2026-07-01. Review status: criteria provided, single submitter. Criteria: CeGaT Center For Human Genetics Tuebingen Variant Classification Criteria Version 2. Collection method: clinical testing. Allele origin: germline. Affected: yes. Observed: 1 variant allele.
Comment: MADD: BP4

NM_001376571.1(MADD):c.2181G>A (p.Met727Ile)

Gene: MADD (MAP kinase activating death domain; plus strand). Cytogenetic location: 11p11.2.
Variant type: single nucleotide variant.
Coding change: c.2181G>A on transcript NM_001376571.1 (MANE Select); coding-DNA position 2181, G replaced by A.
Protein change: p.Met727Ile; replaces methionine 727 with isoleucine.
Molecular consequence: missense variant. On other transcripts: non-coding transcript variant (8).
Genome position (GRCh38, 1-based): chr11:47,284,964, G>A. VCF-style: chr11-47284964-G-A. GRCh37 (hg19) VCF-style: chr11-47306515-G-A.
Other names: c.2181G>A, p.Met727Ile (NM_001135943.2, NM_001135944.2, NM_001376572.1 and 79 more transcripts); c.1977G>A, p.Met659Ile (NM_001376635.1, NM_001376654.1, NM_001376657.1 and 9 more transcripts); c.2157G>A, p.Met719Ile (NM_001376602.1); c.1515G>A, p.Met505Ile (NM_001376663.1); short protein forms M505I, M659I, M719I, M727I.
Identifiers: ClinVar variation 5039327 (VCV005039327.1).